The following is an entry in ClinVar:

NM_005732.4(RAD50):c.3806A>C (p.His1269Pro)

Genes: TH2LCRR (T helper type 2 locus control region associated RNA; minus strand), RAD50 (RAD50 double strand break repair protein; plus strand). Cytogenetic location: 5q31.1.
Variant type: single nucleotide variant.
Coding change: c.3806A>C on transcript NM_005732.4 (MANE Select); coding-DNA position 3806, A replaced by C.
Protein change: p.His1269Pro; replaces histidine 1269 with proline.
Molecular consequence: missense variant. On other transcripts: non-coding transcript variant (1).
Genome position (GRCh38, 1-based): chr5:132,642,231, A>C. VCF-style: chr5-132642231-A-C. GRCh37 (hg19) VCF-style: chr5-131977923-A-C.
Other names: short protein forms H1269P.
Identifiers: ClinVar variation 2565932 (VCV002565932.2), dbSNP rs2149866905, ClinGen allele CA360936419.

ClinVar aggregate classification (germline): Uncertain significance (1 of 4 stars; one submission).

Conditions:
Hereditary cancer-predisposing syndrome. Also called: Neoplastic Syndromes, Hereditary; Hereditary Cancer Syndrome; Hereditary neoplastic syndrome; Tumor predisposition. Identifiers: Orphanet 140162, MedGen C0027672, MeSH D009386, MONDO:0015356.

Submission:

Ambry Genetics
Classification: Uncertain significance for Hereditary cancer-predisposing syndrome. Last evaluated: 2023-04-03. Review status: criteria provided, single submitter. Criteria: Ambry Variant Classification Scheme 2023. Collection method: clinical testing. Allele origin: germline.
Comment: The p.H1269P variant (also known as c.3806A>C), located in coding exon 25 of the RAD50 gene, results from an A to C substitution at nucleotide position 3806. The histidine at codon 1269 is replaced by proline, an amino acid with similar properties. This amino acid position is conserved. In addition, this alteration is predicted to be deleterious by in silico analysis. Since supporting evidence is limited at this time, the clinical significance of this alteration remains unclear.